The following is an entry in ClinVar:

ClinVar aggregate classification (germline): Uncertain significance (1 of 4 stars; one submission).

Allele frequency attached by ClinVar (database versions not stated): gnomAD exomes 0.00002 and 0.00003; gnomAD 0.00003 and 0.00004; ExAC 0.00004; TOPMed 0.00006.
gnomAD v4.1: 33 of 1,576,878 alleles (0.0021%); highest among the groups gnomAD compares: Admixed American, 0.0055%; no homozygotes.

Submission:

Labcorp Genetics (formerly Invitae), Labcorp
Classification: Uncertain significance. Last evaluated: 2024-03-02. Review status: criteria provided, single submitter. Criteria: Invitae Variant Classification Sherloc (09022015). Collection method: clinical testing. Allele origin: germline.
Comment: This sequence change replaces arginine, which is basic and polar, with tryptophan, which is neutral and slightly polar, at codon 2927 of the ASPM protein (p.Arg2927Trp). This variant is present in population databases (rs759301866, gnomAD 0.006%). This variant has not been reported in the literature in individuals affected with ASPM-related conditions. ClinVar contains an entry for this variant (Variation ID: 1414207). An algorithm developed to predict the effect of missense changes on protein structure and function (PolyPhen-2) suggests that this variant is likely to be disruptive. In summary, the available evidence is currently insufficient to determine the role of this variant in disease. Therefore, it has been classified as a Variant of Uncertain Significance.

NM_018136.5(ASPM):c.8779C>T (p.Arg2927Trp)

Gene: ASPM (assembly factor for spindle microtubules; minus strand). Cytogenetic location: 1q31.3.
Variant type: single nucleotide variant.
Coding change: c.8779C>T on transcript NM_018136.5 (MANE Select); coding-DNA position 8779, C replaced by T.
Protein change: p.Arg2927Trp; replaces arginine 2927 with tryptophan.
Molecular consequence: missense variant. On other transcripts: intron variant (1).
Genome position (GRCh38, 1-based): chr1:197,100,472, G>A on the plus strand (C>T on the coding strand, the complement: ASPM is on the minus strand). VCF-style: chr1-197100472-G-A. GRCh37 (hg19) VCF-style: chr1-197069602-G-A.
Other names: c.4066-4308C>T (NM_001206846.2); short protein forms R2927W.
Identifiers: ClinVar variation 1414207 (VCV001414207.5), dbSNP rs759301866, ClinGen allele CA1309153.